The following is an entry in ClinVar:

NM_007194.4(CHEK2):c.30G>C (p.Gln10His)

Gene: CHEK2 (checkpoint kinase 2; minus strand). Cytogenetic location: 22q12.1.
Variant type: single nucleotide variant.
Coding change: c.30G>C on transcript NM_007194.4 (MANE Select); coding-DNA position 30, G replaced by C.
Protein change: p.Gln10His; replaces glutamine 10 with histidine.
Molecular consequence: missense variant.
Genome position (GRCh38, 1-based): chr22:28,734,692, C>G on the plus strand (G>C on the coding strand, the complement: CHEK2 is on the minus strand). VCF-style: chr22-28734692-C-G. GRCh37 (hg19) VCF-style: chr22-29130680-C-G.
Other names: c.30G>C, p.Gln10His (NM_001349956.3, NM_145862.3, NM_001005735.3); c.-748G>C (NM_001257387.3); short protein forms Q10H.
Identifiers: ClinVar variation 3657341 (VCV003657341.2).
Genomic context (GRCh38, chr22:28,734,692, plus strand): 5'-GCCTTGGGACTGGGTAACGCTGCCATGGGGCTGTGAACAGGCACTGCTGCCATGAGACTG[C>G]TGAGCCTCAACATCCGACTCCCGAGACATCACGACCTCAAAAAGAAAGTGTCCAACAACA-3'
Protein context (NP_009125.1, residues 1-20): MSRESDVEA[Gln10His]QSHGSSACSQ

ClinVar aggregate classification (germline): Uncertain significance (1 of 4 stars; one submission).

Conditions:
Familial cancer of breast. Also called: hereditary breast carcinoma; BREAST CANCER, FAMILIAL; Hereditary breast cancer. Identifiers: Orphanet 227535, MedGen C0346153, MONDO:0016419, OMIM 114480. Disease mechanism: loss of function.

gnomAD v4.1: 1 of 1,613,700 alleles (0.000062%); highest among the groups gnomAD compares: Non-Finnish European, 0.000085%; no homozygotes.

Submission:

Labcorp Genetics (formerly Invitae), Labcorp
Classification: Uncertain significance for Familial cancer of breast. Last evaluated: 2024-10-13. Review status: criteria provided, single submitter. Criteria: Invitae Variant Classification Sherloc (09022015). Collection method: clinical testing. Allele origin: germline.
Comment: This sequence change replaces glutamine, which is neutral and polar, with histidine, which is basic and polar, at codon 10 of the CHEK2 protein (p.Gln10His). This variant is not present in population databases (gnomAD no frequency). This variant has not been reported in the literature in individuals affected with CHEK2-related conditions. An algorithm developed to predict the effect of missense changes on protein structure and function outputs the following: PolyPhen-2: "Benign". The histidine amino acid residue is found in multiple mammalian species, which suggests that this missense change does not adversely affect protein function. In summary, the available evidence is currently insufficient to determine the role of this variant in disease. Therefore, it has been classified as a Variant of Uncertain Significance.